The following is an entry in ClinVar:

ClinVar aggregate classification (germline): Likely pathogenic (1 of 4 stars; one submission).

Submission:

CeGaT Center for Human Genetics Tuebingen
Classification: Likely pathogenic. Last evaluated: 2023-02-01. Review status: criteria provided, single submitter. Criteria: CeGaT Center For Human Genetics Tuebingen Variant Classification Criteria Version 2. Collection method: clinical testing. Allele origin: germline. Affected: yes. Observed: 1 variant allele.
Comment: TBL1XR1: PM2, PS2:Moderate, PP2, PP3

NM_024665.7(TBL1XR1):c.847A>C (p.Ser283Arg)

Genes: TBL1XR1 (TBL1X/Y related 1; minus strand), TBL1XR1-AS1 (TBL1XR1 antisense RNA 1; plus strand). Cytogenetic location: 3q26.32.
Variant type: single nucleotide variant.
Coding change: c.847A>C on transcript NM_024665.7 (MANE Select); coding-DNA position 847, A replaced by C.
Protein change: p.Ser283Arg; replaces serine 283 with arginine.
Molecular consequence: missense variant.
Genome position (GRCh38, 1-based): chr3:177,047,317, T>G on the plus strand (A>C on the coding strand, the complement: TBL1XR1 is on the minus strand). VCF-style: chr3-177047317-T-G. GRCh37 (hg19) VCF-style: chr3-176765105-T-G.
Other names: c.847A>C, p.Ser283Arg (NM_001321193.3, NM_001321194.3, NM_001374327.1 and 2 more transcripts); c.586A>C, p.Ser196Arg (NM_001321195.3, NM_001374330.1); short protein forms S196R, S283R.
Identifiers: ClinVar variation 2498942 (VCV002498942.28), dbSNP rs2473700513, ClinGen allele CA355552017.